The following is an entry in ClinVar:

ClinVar aggregate classification (germline): Likely benign. Review status: criteria provided, multiple submitters, no conflicts (2 of 4 stars). 2 submissions from 2 submitters: Likely benign (2). Last evaluated 2025-12-12.

Conditions:
Developmental and epileptic encephalopathy, 36 (DEE36). Also called: Congenital disorder of glycosylation, type Is; Epileptic encephalopathy, early infantile, 36; ALG13-CDG. Identifiers: Orphanet 324422, MedGen C4317295, MONDO:0010472, OMIM 300884.

Allele frequency attached by ClinVar (database versions not stated): ExAC 0.00002; gnomAD exomes 0.00003; gnomAD 0.00005 and 0.00006; TOPMed 0.00009.
gnomAD v4.1: 8 of 1,209,868 alleles (0.00066%); highest among the groups gnomAD compares: African/African-American, 0.011%; no homozygotes.

Submissions (2):

Women's Health and Genetics/Laboratory Corporation of America, LabCorp
Classification: Likely benign. Last evaluated: 2025-12-12. Review status: criteria provided, single submitter. Criteria: LabCorp Variant Classification Summary - May 2015. Collection method: clinical testing. Allele origin: germline.
Comment: Variant summary: ALG13 c.620G>A (p.Gly207Glu) results in a non-conservative amino acid change in the encoded protein sequence. Algorithms developed to predict the effect of missense changes on protein structure and function all suggest that this variant is likely to be disruptive. The variant allele was found at a frequency of 6.6e-06 in 1204811 control chromosomes, including 4 hemizygotes. The occurrence in several carriers and hemizygotes suggests that this variant is likely not associated with a high penetrance, severe, early onset disease phenotype. To our knowledge, no occurrence of c.620G>A in individuals affected with ALG13-related conditions and no experimental evidence demonstrating its impact on protein function have been reported. ClinVar contains an entry for this variant (Variation ID: 1015864). Based on the evidence outlined above, the variant was classified as likely benign.

Labcorp Genetics (formerly Invitae), Labcorp
Classification: Likely benign for Developmental and epileptic encephalopathy, 36. Last evaluated: 2024-01-04. Review status: criteria provided, single submitter. Criteria: Invitae Variant Classification Sherloc (09022015). Collection method: clinical testing. Allele origin: germline.

NM_001099922.3(ALG13):c.620G>A (p.Gly207Glu)

Gene: ALG13 (ALG13 UDP-N-acetylglucosaminyltransferase subunit; plus strand). Cytogenetic location: Xq23.
Variant type: single nucleotide variant.
Coding change: c.620G>A on transcript NM_001099922.3 (MANE Select); coding-DNA position 620, G replaced by A.
Protein change: p.Gly207Glu; replaces glycine 207 with glutamic acid.
Molecular consequence: missense variant. On other transcripts: non-coding transcript variant (1).
Genome position (GRCh38, 1-based): chrX:111,708,263, G>A. VCF-style: chrX-111708263-G-A. GRCh37 (hg19) VCF-style: chrX-110951491-G-A.
Other names: c.308G>A, p.Gly103Glu (NM_001257230.2, NM_001257234.2, NM_001257237.2 and 1 more transcripts); c.386G>A, p.Gly129Glu (NM_001257231.2); c.620G>A, p.Gly207Glu (NM_001324292.2); short protein forms G103E, G129E, G207E.
Identifiers: ClinVar variation 1015864 (VCV001015864.10), dbSNP rs775381422, ClinGen allele CA10493557.